The following is an entry in ClinVar:

ClinVar aggregate classification (germline): Uncertain significance (1 of 4 stars; one submission).

Allele frequency attached by ClinVar (database versions not stated): gnomAD exomes below 0.00001.
gnomAD v4.1: 1 of 1,614,134 alleles (0.000062%); highest among the groups gnomAD compares: East Asian, 0.0022%; no homozygotes.

Submission:

Labcorp Genetics (formerly Invitae), Labcorp
Classification: Uncertain significance. Last evaluated: 2023-04-26. Review status: criteria provided, single submitter. Criteria: Invitae Variant Classification Sherloc (09022015). Collection method: clinical testing. Allele origin: germline.
Comment: This sequence change replaces leucine, which is neutral and non-polar, with phenylalanine, which is neutral and non-polar, at codon 664 of the OCA2 protein (p.Leu664Phe). This variant is present in population databases (no rsID available, gnomAD 0.006%). This variant has not been reported in the literature in individuals affected with OCA2-related conditions. Advanced modeling of protein sequence and biophysical properties (such as structural, functional, and spatial information, amino acid conservation, physicochemical variation, residue mobility, and thermodynamic stability) has been performed at Invitae for this missense variant, however the output from this modeling did not meet the statistical confidence thresholds required to predict the impact of this variant on OCA2 protein function. In summary, the available evidence is currently insufficient to determine the role of this variant in disease. Therefore, it has been classified as a Variant of Uncertain Significance.

NM_000275.3(OCA2):c.1992A>C (p.Leu664Phe)

Gene: OCA2 (OCA2 melanosomal transmembrane protein; minus strand). Cytogenetic location: 15q13.1.
Variant type: single nucleotide variant.
Coding change: c.1992A>C on transcript NM_000275.3 (MANE Select); coding-DNA position 1992, A replaced by C.
Protein change: p.Leu664Phe; replaces leucine 664 with phenylalanine.
Molecular consequence: missense variant.
Genome position (GRCh38, 1-based): chr15:27,926,214, T>G on the plus strand (A>C on the coding strand, the complement: OCA2 is on the minus strand). VCF-style: chr15-27926214-T-G. GRCh37 (hg19) VCF-style: chr15-28171360-T-G.
Other names: c.1920A>C, p.Leu640Phe (NM_001300984.2); short protein forms L640F, L664F.
Identifiers: ClinVar variation 2800189 (VCV002800189.3), dbSNP rs1441627192, ClinGen allele CA391361289.
Genomic context (GRCh38, chr15:27,926,214, plus strand): 5'-AAACAGAAGGGTTGCCCATTCCACTCTGTGTAGAATTATCTCAAAATCATGAATATCAGC[T>G]AAAATTAGCAACCAGATGGCACCCAGAATAGCAATCCATCCTGAAAATAAGTAAATAGAC-3'
Protein context (NP_000266.2, residues 654-674): AILGAIWLLI[Leu664Phe]ADIHDFEIIL